The following is an entry in ClinVar:

ClinVar aggregate classification (germline): Uncertain significance. Review status: criteria provided, multiple submitters, no conflicts (2 of 4 stars). 4 submissions from 4 submitters: Uncertain significance (3). 1 of the submissions does not count toward it. Last evaluated 2025-12-08.

Conditions:
EYS-related disorder. Also called: EYS-related condition.
Inborn genetic diseases. Identifiers: MedGen C0950123, MeSH D030342.
Retinitis pigmentosa 25 (RP25). Identifiers: Orphanet 791, MedGen C1864446, MONDO:0011272, OMIM 602772.

Allele frequency attached by ClinVar (database versions not stated): gnomAD exomes 0.00001; gnomAD 0.00003 and 0.00004; TOPMed 0.00004.
gnomAD v4.1: 18 of 1,545,540 alleles (0.0012%); highest among the groups gnomAD compares: African/African-American, 0.022%; no homozygotes.

Submissions (4):

Labcorp Genetics (formerly Invitae), Labcorp
Classification: Uncertain significance. Last evaluated: 2025-12-08. Review status: criteria provided, single submitter. Criteria: Invitae Variant Classification Sherloc (09022015). Collection method: clinical testing. Allele origin: germline.
Comment: This sequence change replaces phenylalanine, which is neutral and non-polar, with leucine, which is neutral and non-polar, at codon 3118 of the EYS protein (p.Phe3118Leu). This variant is present in population databases (no rsID available, gnomAD 0.02%). This variant has not been reported in the literature in individuals affected with EYS-related conditions. ClinVar contains an entry for this variant (Variation ID: 836466). Invitae Evidence Modeling of protein sequence and biophysical properties (such as structural, functional, and spatial information, amino acid conservation, physicochemical variation, residue mobility, and thermodynamic stability) has been performed for this missense variant. However, the output from this modeling did not meet the statistical confidence thresholds required to predict the impact of this variant on EYS protein function. In summary, the available evidence is currently insufficient to determine the role of this variant in disease. Therefore, it has been classified as a Variant of Uncertain Significance.

PreventionGenetics, part of Exact Sciences
Classification: Uncertain significance for EYS-related condition. Last evaluated: 2025-08-12. Review status: criteria provided, single submitter. Criteria: ACMG Guidelines, 2015. Collection method: clinical testing. Allele origin: germline.
Comment: The EYS c.9352T>C variant is predicted to result in the amino acid substitution p.Phe3118Leu. To our knowledge, this variant has not been reported in the literature. This variant is reported in 0.018% of alleles in individuals of African descent in gnomAD. At this time, the clinical significance of this variant is uncertain due to the absence of conclusive functional and genetic evidence.

Ambry Genetics
Classification: Uncertain significance for Inborn genetic diseases. Last evaluated: 2024-11-26. Review status: criteria provided, single submitter. Criteria: Ambry Variant Classification Scheme 2023. Collection method: clinical testing. Allele origin: germline.

Natera, Inc.
Classification: Uncertain significance for Retinitis pigmentosa type 25. Last evaluated: 2020-10-21. Review status: no assertion criteria provided. Collection method: clinical testing. Allele origin: germline. Not counted in ClinVar's aggregate classification.

NM_001142800.2(EYS):c.9352T>C (p.Phe3118Leu)

Genes: EYS (EGF-like photoreceptor maintenance factor; minus strand), PHF3 (PHD finger protein 3; plus strand). Cytogenetic location: 6q12.
Variant type: single nucleotide variant.
Coding change: c.9352T>C on transcript NM_001142800.2 (MANE Select); coding-DNA position 9352, T replaced by C.
Protein change: p.Phe3118Leu; replaces phenylalanine 3118 with leucine.
Molecular consequence: missense variant. On other transcripts: 3 prime UTR variant (5).
Genome position (GRCh38, 1-based): chr6:63,720,679, A>G on the plus strand (T>C on the coding strand, the complement: EYS is on the minus strand). VCF-style: chr6-63720679-A-G. GRCh37 (hg19) VCF-style: chr6-64430575-A-G.
Other names: c.*6971A>G (NM_001290259.2, NM_001370348.2, NM_001370349.2 and 2 more transcripts); c.9415T>C, p.Phe3139Leu (NM_001292009.2); short protein forms F3118L, F3139L.
Identifiers: ClinVar variation 836466 (VCV000836466.8), dbSNP rs953147842, ClinGen allele CA140236782.